The following is an entry in ClinVar:

ClinVar aggregate classification (germline): Uncertain significance (1 of 4 stars; one submission).

Conditions:
Spastic paraplegia. Identifiers: MedGen C0037772, HP:0001258.

gnomAD v4.1: 1 of 1,604,722 alleles (0.000062%); highest among the groups gnomAD compares: Non-Finnish European, 0.000085%; no homozygotes.

Submission:

Labcorp Genetics (formerly Invitae), Labcorp
Classification: Uncertain significance for Spastic paraplegia. Last evaluated: 2025-04-08. Review status: criteria provided, single submitter. Criteria: Invitae Variant Classification Sherloc (09022015). Collection method: clinical testing. Allele origin: germline.
Comment: This sequence change replaces glycine, which is neutral and non-polar, with arginine, which is basic and polar, at codon 404 of the SLC33A1 protein (p.Gly404Arg). This variant is present in population databases (rs746086856, gnomAD 0.0009%). This variant has not been reported in the literature in individuals affected with SLC33A1-related conditions. Invitae Evidence Modeling of protein sequence and biophysical properties (such as structural, functional, and spatial information, amino acid conservation, physicochemical variation, residue mobility, and thermodynamic stability) indicates that this missense variant is not expected to disrupt SLC33A1 protein function with a negative predictive value of 80%. In summary, the available evidence is currently insufficient to determine the role of this variant in disease. Therefore, it has been classified as a Variant of Uncertain Significance.

NM_004733.4(SLC33A1):c.1210G>A (p.Gly404Arg)

Gene: SLC33A1 (solute carrier family 33 member 1; minus strand). Cytogenetic location: 3q25.31.
Variant type: single nucleotide variant.
Coding change: c.1210G>A on transcript NM_004733.4 (MANE Select); coding-DNA position 1210, G replaced by A.
Protein change: p.Gly404Arg; replaces glycine 404 with arginine.
Molecular consequence: missense variant. On other transcripts: intron variant (1).
Genome position (GRCh38, 1-based): chr3:155,833,524, C>T on the plus strand (G>A on the coding strand, the complement: SLC33A1 is on the minus strand). VCF-style: chr3-155833524-C-T. GRCh37 (hg19) VCF-style: chr3-155551313-C-T.
Other names: c.1210G>A, p.Gly404Arg (NM_001190992.2); c.960+333G>A (NM_001363883.1); short protein forms G404R.
Identifiers: ClinVar variation 4741302 (VCV004741302.1).